The following is an entry in ClinVar:

ClinVar aggregate classification (germline): Uncertain significance (1 of 4 stars; one submission).

Allele frequency attached by ClinVar (database versions not stated): gnomAD exomes below 0.00001; TOPMed below 0.00001.

Submission:

Labcorp Genetics (formerly Invitae), Labcorp
Classification: Uncertain significance. Last evaluated: 2022-05-12. Review status: criteria provided, single submitter. Criteria: Invitae Variant Classification Sherloc (09022015). Collection method: clinical testing. Allele origin: germline.
Comment: In summary, the available evidence is currently insufficient to determine the role of this variant in disease. Therefore, it has been classified as a Variant of Uncertain Significance. This sequence change replaces serine, which is neutral and polar, with proline, which is neutral and non-polar, at codon 614 of the DMXL2 protein (p.Ser614Pro). This variant is not present in population databases (gnomAD no frequency). This variant has not been reported in the literature in individuals affected with DMXL2-related conditions. Algorithms developed to predict the effect of missense changes on protein structure and function are either unavailable or do not agree on the potential impact of this missense change (SIFT: "Deleterious"; PolyPhen-2: "Probably Damaging"; Align-GVGD: "Class C0").

NM_001378457.1(DMXL2):c.1840T>C (p.Ser614Pro)

Gene: DMXL2 (Dmx like 2; minus strand). Cytogenetic location: 15q21.2.
Variant type: single nucleotide variant.
Coding change: c.1840T>C on transcript NM_001378457.1 (MANE Select); coding-DNA position 1840, T replaced by C.
Protein change: p.Ser614Pro; replaces serine 614 with proline.
Molecular consequence: missense variant. On other transcripts: non-coding transcript variant (2).
Genome position (GRCh38, 1-based): chr15:51,536,640, A>G on the plus strand (T>C on the coding strand, the complement: DMXL2 is on the minus strand). VCF-style: chr15-51536640-A-G. GRCh37 (hg19) VCF-style: chr15-51828837-A-G.
Other names: c.1840T>C, p.Ser614Pro (NM_001174116.3, NM_001174117.3, NM_001378458.1 and 6 more transcripts); c.1600T>C, p.Ser534Pro (NM_001378464.1); short protein forms S534P, S614P.
Identifiers: ClinVar variation 1993386 (VCV001993386.4), dbSNP rs2048304047, ClinGen allele CA392467520.